The following is an entry in ClinVar:

ClinVar aggregate classification (germline): Uncertain significance (1 of 4 stars; one submission).

Allele frequency attached by ClinVar (database versions not stated): TOPMed below 0.00001.

Submission:

Labcorp Genetics (formerly Invitae), Labcorp
Classification: Uncertain significance. Last evaluated: 2024-10-07. Review status: criteria provided, single submitter. Criteria: Invitae Variant Classification Sherloc (09022015). Collection method: clinical testing. Allele origin: germline.
Comment: This sequence change replaces cysteine, which is neutral and slightly polar, with tryptophan, which is neutral and slightly polar, at codon 313 of the LZTR1 protein (p.Cys313Trp). This variant is not present in population databases (gnomAD no frequency). This variant has not been reported in the literature in individuals affected with LZTR1-related conditions. ClinVar contains an entry for this variant (Variation ID: 1714502). Invitae Evidence Modeling of protein sequence and biophysical properties (such as structural, functional, and spatial information, amino acid conservation, physicochemical variation, residue mobility, and thermodynamic stability) indicates that this missense variant is not expected to disrupt LZTR1 protein function with a negative predictive value of 80%. In summary, the available evidence is currently insufficient to determine the role of this variant in disease. Therefore, it has been classified as a Variant of Uncertain Significance.

NM_006767.4(LZTR1):c.939C>G (p.Cys313Trp)

Gene: LZTR1 (leucine zipper like post translational regulator 1; plus strand). Cytogenetic location: 22q11.21.
Variant type: single nucleotide variant.
Coding change: c.939C>G on transcript NM_006767.4 (MANE Select); coding-DNA position 939, C replaced by G.
Protein change: p.Cys313Trp; replaces cysteine 313 with tryptophan.
Molecular consequence: missense variant.
Genome position (GRCh38, 1-based): chr22:20,991,775, C>G. VCF-style: chr22-20991775-C-G. GRCh37 (hg19) VCF-style: chr22-21346064-C-G.
Other names: short protein forms C313W.
Identifiers: ClinVar variation 1714502 (VCV001714502.5), dbSNP rs1275819480, ClinGen allele CA410781486.